The following is an entry in ClinVar:

NM_002880.4(RAF1):c.1063A>G (p.Ile355Val)

Gene: RAF1 (Raf-1 proto-oncogene, serine/threonine kinase; minus strand). Cytogenetic location: 3p25.2.
Variant type: single nucleotide variant.
Coding change: c.1063A>G on transcript NM_002880.4 (MANE Select); coding-DNA position 1063, A replaced by G.
Protein change: p.Ile355Val; replaces isoleucine 355 with valine.
Molecular consequence: missense variant. On other transcripts: non-coding transcript variant (3).
Genome position (GRCh38, 1-based): chr3:12,599,736, T>C on the plus strand (A>G on the coding strand, the complement: RAF1 is on the minus strand). VCF-style: chr3-12599736-T-C. GRCh37 (hg19) VCF-style: chr3-12641235-T-C.
Other names: c.1123A>G, p.Ile375Val (NM_001354689.3); c.1063A>G, p.Ile355Val (NM_001354690.3); c.820A>G, p.Ile274Val (NM_001354691.3, NM_001354692.3); c.964A>G, p.Ile322Val (NM_001354693.3); c.880A>G, p.Ile294Val (NM_001354694.3); c.721A>G, p.Ile241Val (NM_001354695.3); short protein forms I355V, I375V, I241V, I274V, I294V, I322V.
Identifiers: ClinVar variation 179223 (VCV000179223.10), dbSNP rs727504719, ClinGen allele CA183991.

ClinVar aggregate classification (germline): Uncertain significance. Review status: criteria provided, multiple submitters, no conflicts (2 of 4 stars). 2 submissions from 2 submitters: Uncertain significance (2). Last evaluated 2023-12-07.

Conditions:
RASopathy. Also called: Noonan spectrum disorder; rasopathies. Identifiers: Orphanet 536391, MedGen C5555857, MONDO:0021060.

Allele frequency attached by ClinVar (database versions not stated): TOPMed below 0.00001; gnomAD 0.00001.
gnomAD v4.1: 1 of 1,614,026 alleles (0.000062%); highest among the groups gnomAD compares: Non-Finnish European, 0.000085%; no homozygotes.

Submissions (2):

Labcorp Genetics (formerly Invitae), Labcorp
Classification: Uncertain significance for RASopathy. Last evaluated: 2023-12-07. Review status: criteria provided, single submitter. Criteria: Invitae Variant Classification Sherloc (09022015). Collection method: clinical testing. Allele origin: germline.
Comment: This sequence change replaces isoleucine, which is neutral and non-polar, with valine, which is neutral and non-polar, at codon 355 of the RAF1 protein (p.Ile355Val). This variant is not present in population databases (gnomAD no frequency). This missense change has been observed in individual(s) with clinical features of Noonan syndrome (Invitae). ClinVar contains an entry for this variant (Variation ID: 179223). Advanced modeling of protein sequence and biophysical properties (such as structural, functional, and spatial information, amino acid conservation, physicochemical variation, residue mobility, and thermodynamic stability) performed at Invitae indicates that this missense variant is expected to disrupt RAF1 protein function with a positive predictive value of 95%. In summary, the available evidence is currently insufficient to determine the role of this variant in disease. Therefore, it has been classified as a Variant of Uncertain Significance.

Laboratory for Molecular Medicine, Mass General Brigham Personalized Medicine
Classification: Uncertain significance. Last evaluated: 2013-08-06. Review status: criteria provided, single submitter. Criteria: LMM Criteria. Collection method: clinical testing. Allele origin: germline. Observed: 1 variant allele.
Comment: The Ile355Val variant in RAF1 has not been previously identified by our laborato ry, in the literature, or in large population studies. Computational analyses (b iochemical amino acid properties, conservation, AlignGVGD, PolyPhen2, and SIFT) do not suggest a high likelihood of impact to the protein, though this informati on is not sufficient to rule out pathogenicity. Additional information is needed to fully assess the clinical significance of this variant.